The following is an entry in ClinVar:

NM_000059.4(BRCA2):c.8331+1315C>T

Gene: BRCA2 (BRCA2 DNA repair associated; plus strand). Cytogenetic location: 13q13.1.
Variant type: single nucleotide variant.
Coding change: c.8331+1315C>T on transcript NM_000059.4 (MANE Select); 1315 bases into the intron after coding-DNA position 8331, C replaced by T.
Molecular consequence: intron variant.
Genome position (GRCh38, 1-based): chr13:32,364,848, C>T. VCF-style: chr13-32364848-C-T. GRCh37 (hg19) VCF-style: chr13-32938985-C-T.
Other names: IVS 18+1315C>T.
Identifiers: ClinVar variation 209785 (VCV000209785.1), dbSNP rs11571726, ClinGen allele CA276753.

ClinVar aggregate classification (germline): Benign (3 of 4 stars; one submission).

Conditions:
Breast-ovarian cancer, familial, susceptibility to, 2 (BROVCA2). Also called: BRCA2 Hereditary Breast and Ovarian Cancer. Identifiers: Orphanet 145, MedGen C2675520, MONDO:0012933, OMIM 612555. Disease mechanism: loss of function.

Allele frequency attached by ClinVar (database versions not stated): gnomAD 0.00974 and 0.01050; 1000 Genomes Project 0.00998; 1000 Genomes Project 30x 0.01031; TOPMed 0.01077.
gnomAD v4.1: 1,470 of 152,240 alleles (0.97%); highest among the groups gnomAD compares: African/African-American, 3.4%; 29 homozygotes.

Submission:

Evidence-based Network for the Interpretation of Germline Mutant Alleles (ENIGMA)
Classification: Benign for Breast-ovarian cancer, familial 2. Last evaluated: 2015-01-12. Review status: reviewed by expert panel. Criteria: ENIGMA BRCA1/2 Classification Criteria (2015). Collection method: curation. Allele origin: germline.
Comment: Class 1 not pathogenic based on frequency >1% in an outbred sampleset. Frequency 0.04268 (African), derived from 1000 genomes (2012-04-30).